The following is an entry in ClinVar:

ClinVar aggregate classification (germline): Uncertain significance (1 of 4 stars; one submission).

Submission:

Labcorp Genetics (formerly Invitae), Labcorp
Classification: Uncertain significance. Last evaluated: 2022-07-19. Review status: criteria provided, single submitter. Criteria: Invitae Variant Classification Sherloc (09022015). Collection method: clinical testing. Allele origin: germline.
Comment: In summary, the available evidence is currently insufficient to determine the role of this variant in disease. Therefore, it has been classified as a Variant of Uncertain Significance. Algorithms developed to predict the effect of sequence changes on RNA splicing suggest that this variant may create or strengthen a splice site. Algorithms developed to predict the effect of missense changes on protein structure and function output the following: SIFT: "Tolerated"; PolyPhen-2: "Benign"; Align-GVGD: "Class C0". The serine amino acid residue is found in multiple mammalian species, which suggests that this missense change does not adversely affect protein function. ClinVar contains an entry for this variant (Variation ID: 1428183). This variant has not been reported in the literature in individuals affected with HYOU1-related conditions. This variant is not present in population databases (gnomAD no frequency). This sequence change replaces asparagine, which is neutral and polar, with serine, which is neutral and polar, at codon 827 of the HYOU1 protein (p.Asn827Ser).

NM_006389.5(HYOU1):c.2480A>G (p.Asn827Ser)

Gene: HYOU1 (hypoxia up-regulated 1; minus strand). Cytogenetic location: 11q23.3.
Variant type: single nucleotide variant.
Coding change: c.2480A>G on transcript NM_006389.5 (MANE Select); coding-DNA position 2480, A replaced by G.
Protein change: p.Asn827Ser; replaces asparagine 827 with serine.
Molecular consequence: missense variant.
Genome position (GRCh38, 1-based): chr11:119,047,977, T>C on the plus strand (A>G on the coding strand, the complement: HYOU1 is on the minus strand). VCF-style: chr11-119047977-T-C. GRCh37 (hg19) VCF-style: chr11-118918689-T-C.
Other names: c.2480A>G, p.Asn827Ser (NM_001130991.3); short protein forms N827S.
Identifiers: ClinVar variation 1428183 (VCV001428183.8), dbSNP rs962806739, ClinGen allele CA229618119.